The following is an entry in ClinVar:

ClinVar aggregate classification (germline): Uncertain significance (1 of 4 stars; one submission).

Allele frequency attached by ClinVar (database versions not stated): gnomAD exomes below 0.00001.
gnomAD v4.1: 1 of 1,614,084 alleles (0.000062%); highest among the groups gnomAD compares: Non-Finnish European, 0.000085%; no homozygotes.

Submission:

Ambry Genetics
Classification: Uncertain significance. Last evaluated: 2024-07-30. Review status: criteria provided, single submitter. Criteria: Ambry Variant Classification Scheme 2023. Collection method: clinical testing. Allele origin: germline.
Comment: The p.G312R variant (also known as c.934G>A), located in coding exon 3 of the TERF2IP gene, results from a G to A substitution at nucleotide position 934. The glycine at codon 312 is replaced by arginine, an amino acid with dissimilar properties. This amino acid position is conserved. In addition, this alteration is predicted to be tolerated by in silico analysis. Since supporting evidence is limited at this time, the clinical significance of this alteration remains unclear.

NM_018975.4(TERF2IP):c.934G>A (p.Gly312Arg)

Gene: TERF2IP (TERF2 interacting protein; plus strand). Cytogenetic location: 16q23.1.
Variant type: single nucleotide variant.
Coding change: c.934G>A on transcript NM_018975.4 (MANE Select); coding-DNA position 934, G replaced by A.
Protein change: p.Gly312Arg; replaces glycine 312 with arginine.
Molecular consequence: missense variant. On other transcripts: non-coding transcript variant (1).
Genome position (GRCh38, 1-based): chr16:75,656,345, G>A. VCF-style: chr16-75656345-G-A. GRCh37 (hg19) VCF-style: chr16-75690243-G-A.
Other names: short protein forms G312R.
Identifiers: ClinVar variation 1766658 (VCV001766658.3), dbSNP rs2507089427, ClinGen allele CA396819907.